The following is an entry in ClinVar:

ClinVar aggregate classification (germline): Conflicting classifications of pathogenicity. Review status: criteria provided, conflicting classifications (1 of 4 stars). 2 submissions from 2 submitters: Likely pathogenic (1); Uncertain significance (1). Last evaluated 2024-09-09.

Conditions:
Hereditary cancer-predisposing syndrome. Also called: Tumor predisposition; Hereditary neoplastic syndrome; Neoplastic Syndromes, Hereditary; Hereditary Cancer Syndrome. Identifiers: Orphanet 140162, MedGen C0027672, MeSH D009386, MONDO:0015356.

Submissions (2):

Labcorp Genetics (formerly Invitae), Labcorp
Classification: Likely pathogenic. Last evaluated: 2024-09-09. Review status: criteria provided, single submitter. Criteria: Invitae Variant Classification Sherloc (09022015). Collection method: clinical testing. Allele origin: germline.
Comment: This sequence change falls in intron 16 of the MSH3 gene. It does not directly change the encoded amino acid sequence of the MSH3 protein. RNA analysis indicates that this variant induces altered splicing and may result in an absent or altered protein product. This variant is not present in population databases (gnomAD no frequency). This variant has not been reported in the literature in individuals affected with MSH3-related conditions. ClinVar contains an entry for this variant (Variation ID: 1007461). Variants that disrupt the consensus splice site are a relatively common cause of aberrant splicing (PMID: 17576681, 9536098). Studies have shown that this variant results in skipping of exon 16, and produces a non-functional protein and/or introduces a premature termination codon (internal data). In summary, the currently available evidence indicates that the variant is pathogenic, but additional data are needed to prove that conclusively. Therefore, this variant has been classified as Likely Pathogenic.

Ambry Genetics
Classification: Uncertain significance for Hereditary cancer-predisposing syndrome. Last evaluated: 2021-03-15. Review status: criteria provided, single submitter. Criteria: Ambry Variant Classification Scheme 2023. Collection method: clinical testing. Allele origin: germline.
Comment: The c.2318+5G>A intronic variant results from a G to A substitution 5 nucleotides after coding exon 16 in the MSH3 gene. This nucleotide position is highly conserved in available vertebrate species. In silico splice site analysis predicts that this alteration will weaken the native splice donor site. Since supporting evidence is limited at this time, the clinical significance of this alteration remains unclear.

Literature cited by the submitters: PubMed 17576681 (cited by Labcorp Genetics (formerly Invitae), Labcorp); PubMed 9536098 (cited by Labcorp Genetics (formerly Invitae), Labcorp).

NM_002439.5(MSH3):c.2318+5G>A

Gene: MSH3 (mutS homolog 3; plus strand). Cytogenetic location: 5q14.1.
Variant type: single nucleotide variant.
Coding change: c.2318+5G>A on transcript NM_002439.5 (MANE Select); 5 bases into the intron after coding-DNA position 2318, G replaced by A.
Molecular consequence: intron variant.
Genome position (GRCh38, 1-based): chr5:80,775,763, G>A. VCF-style: chr5-80775763-G-A. GRCh37 (hg19) VCF-style: chr5-80071582-G-A.
Identifiers: ClinVar variation 1007461 (VCV001007461.9), dbSNP rs1744287132, ClinGen allele CA1558527567.